The following is an entry in ClinVar:

ClinVar aggregate classification (germline): Likely benign. Review status: reviewed by expert panel (3 of 4 stars). 10 submissions from 10 submitters: Likely benign (1). 9 of the submissions do not count toward it. Last evaluated 2017-06-29.

Conditions:
Hereditary cancer-predisposing syndrome. Also called: Tumor predisposition; Neoplastic Syndromes, Hereditary; Hereditary neoplastic syndrome; Hereditary Cancer Syndrome. Identifiers: Orphanet 140162, MedGen C0027672, MeSH D009386, MONDO:0015356.
Hereditary breast ovarian cancer syndrome. Also called: Hereditary breast and ovarian cancer syndrome; Hereditary breast and ovarian cancer syndrome (HBOC); Hereditary breast and ovarian cancer; Breast and ovarian cancer; BRCA1- and BRCA2-Associated Hereditary Breast and Ovarian Cancer; Hereditary breast and/or ovarian cancer syndrome. Identifiers: Orphanet 145, MedGen C0677776, MeSH D061325, MONDO:0003582. Disease mechanism: loss of function.
Breast-ovarian cancer, familial, susceptibility to, 2 (BROVCA2). Also called: BRCA2 Hereditary Breast and Ovarian Cancer. Identifiers: Orphanet 145, MedGen C2675520, MONDO:0012933, OMIM 612555. Disease mechanism: loss of function.

Allele frequency attached by ClinVar (database versions not stated): gnomAD 0.00001; gnomAD exomes 0.00004 and 0.00006; TOPMed 0.00004; ExAC 0.00007; ESP Exome Variant Server 0.00008.
gnomAD v4.1: 68 of 1,613,682 alleles (0.0042%); highest among the groups gnomAD compares: Admixed American, 0.025%; 1 homozygote.

Submissions (10):

Evidence-based Network for the Interpretation of Germline Mutant Alleles (ENIGMA)
Classification: Likely benign for Breast-ovarian cancer, familial, susceptibility to, 2. Last evaluated: 2017-06-29. Review status: reviewed by expert panel. Criteria: ENIGMA BRCA1/2 Classification Criteria (2017-06-29). Collection method: curation. Allele origin: germline.
Comment: Synonymous substitution variant, with low bioinformatic likelihood to result in a splicing aberration (Splicing prior probability 0.02).

Labcorp Genetics (formerly Invitae), Labcorp
Classification: Likely benign for Hereditary breast ovarian cancer syndrome. Last evaluated: 2026-02-03. Review status: criteria provided, single submitter. Criteria: Invitae Variant Classification Sherloc (09022015). Collection method: clinical testing. Allele origin: germline. Not counted in ClinVar's aggregate classification.

Blueprint Genetics
Classification: Likely benign. Last evaluated: 2024-10-29. Review status: criteria provided, single submitter. Criteria: ACMG Guidelines, 2015. Collection method: clinical testing. Allele origin: germline. Not counted in ClinVar's aggregate classification.

ARUP Laboratories, Molecular Genetics and Genomics, ARUP Laboratories
Classification: Likely benign. Last evaluated: 2024-07-01. Review status: criteria provided, single submitter. Criteria: ARUP Molecular Germline Variant Investigation Process 2024. Collection method: clinical testing. Allele origin: germline. Not counted in ClinVar's aggregate classification.

Quest Diagnostics Nichols Institute San Juan Capistrano
Classification: Benign. Last evaluated: 2022-06-23. Review status: criteria provided, single submitter. Criteria: Quest Diagnostics criteria. Collection method: clinical testing. Allele origin: unknown. Not counted in ClinVar's aggregate classification.

Women's Health and Genetics/Laboratory Corporation of America, LabCorp
Classification: Likely benign. Last evaluated: 2021-09-30. Review status: criteria provided, single submitter. Criteria: LabCorp Variant Classification Summary - May 2015. Collection method: clinical testing. Allele origin: germline. Not counted in ClinVar's aggregate classification.

Sema4
Classification: Likely benign for Hereditary cancer-predisposing syndrome. Last evaluated: 2021-08-19. Review status: criteria provided, single submitter. Criteria: Sema4 Curation Guidelines. Collection method: curation. Allele origin: germline. Not counted in ClinVar's aggregate classification.

Color Diagnostics, LLC DBA Color Health
Classification: Likely benign for Hereditary cancer-predisposing syndrome. Last evaluated: 2015-09-08. Review status: criteria provided, single submitter. Criteria: ACMG Guidelines, 2015. Collection method: clinical testing. Allele origin: germline. Not counted in ClinVar's aggregate classification.

Ambry Genetics
Classification: Likely benign for Hereditary cancer-predisposing syndrome. Last evaluated: 2014-08-27. Review status: criteria provided, single submitter. Criteria: Ambry Variant Classification Scheme 2023. Collection method: clinical testing. Allele origin: germline. Not counted in ClinVar's aggregate classification.

GeneDx
Classification: Benign. Last evaluated: 2014-08-04. Review status: criteria provided, single submitter. Criteria: GeneDx Variant Classification (06012015). Collection method: clinical testing. Allele origin: germline. Affected: yes. Not counted in ClinVar's aggregate classification.
Comment: This variant is considered likely benign or benign based on one or more of the following criteria: it is a conservative change, it occurs at a poorly conserved position in the protein, it is predicted to be benign by multiple in silico algorithms, and/or has population frequency not consistent with disease.

Literature cited by the submitters: PubMed 21702907 (cited by Quest Diagnostics Nichols Institute San Juan Capistrano and Women's Health and Genetics/Laboratory Corporation of America, LabCorp).

NM_000059.4(BRCA2):c.6675A>G (p.Thr2225=)

Gene: BRCA2 (BRCA2 DNA repair associated; plus strand). Cytogenetic location: 13q13.1.
Variant type: single nucleotide variant.
Coding change: c.6675A>G on transcript NM_000059.4 (MANE Select); coding-DNA position 6675, A replaced by G.
Protein change: p.Thr2225=; no amino-acid change (threonine 2225 retained).
Molecular consequence: synonymous variant.
Genome position (GRCh38, 1-based): chr13:32,341,030, A>G. VCF-style: chr13-32341030-A-G. GRCh37 (hg19) VCF-style: chr13-32915167-A-G.
Other names: p.T2225T:ACA>ACG.
Identifiers: ClinVar variation 182291 (VCV000182291.32), dbSNP rs28897741, ClinGen allele CA024277.